The following is an entry in ClinVar:

NM_005002.5(NDUFA9):c.896+207A>G

Gene: NDUFA9 (NADH:ubiquinone oxidoreductase subunit A9; plus strand). Cytogenetic location: 12p13.32.
Variant type: single nucleotide variant.
Coding change: c.896+207A>G on transcript NM_005002.5 (MANE Select); 207 bases into the intron after coding-DNA position 896, A replaced by G.
Molecular consequence: intron variant.
Genome position (GRCh38, 1-based): chr12:4,682,507, A>G. VCF-style: chr12-4682507-A-G. GRCh37 (hg19) VCF-style: chr12-4791673-A-G.
Identifiers: ClinVar variation 682725 (VCV000682725.1), dbSNP rs2302244, ClinGen allele CA13751959.

ClinVar aggregate classification (germline): Benign (1 of 4 stars; one submission).

Allele frequency attached by ClinVar (database versions not stated): 1000 Genomes Project 0.47404; 1000 Genomes Project 30x 0.47439; TOPMed 0.55320; gnomAD 0.55597 and 0.56154.
gnomAD v4.1: 84,557 of 152,060 alleles (56%); highest among the groups gnomAD compares: Non-Finnish European, 61%; 23,875 homozygotes.

Submission:

GeneDx
Classification: Benign. Last evaluated: 2018-06-14. Review status: criteria provided, single submitter. Criteria: GeneDx Variant Classification (06012015). Collection method: clinical testing. Allele origin: germline. Affected: yes.
Comment: This variant is considered likely benign or benign based on one or more of the following criteria: it is a conservative change, it occurs at a poorly conserved position in the protein, it is predicted to be benign by multiple in silico algorithms, and/or has population frequency not consistent with disease.